The following is an entry in ClinVar:

ClinVar aggregate classification (germline): Uncertain significance (1 of 4 stars; one submission).

Conditions:
Epileptic encephalopathy. Identifiers: MedGen C0543888, HP:0200134.

Submission:

Labcorp Genetics (formerly Invitae), Labcorp
Classification: Uncertain significance for Epileptic encephalopathy. Last evaluated: 2022-03-24. Review status: criteria provided, single submitter. Criteria: Invitae Variant Classification Sherloc (09022015). Collection method: clinical testing. Allele origin: germline.
Comment: In summary, the available evidence is currently insufficient to determine the role of this variant in disease. Therefore, it has been classified as a Variant of Uncertain Significance. Algorithms developed to predict the effect of sequence changes on RNA splicing suggest that this variant may create or strengthen a splice site. Algorithms developed to predict the effect of missense changes on protein structure and function are either unavailable or do not agree on the potential impact of this missense change (SIFT: "Tolerated"; PolyPhen-2: "Possibly Damaging"; Align-GVGD: "Class C0"). ClinVar contains an entry for this variant (Variation ID: 843156). This variant has not been reported in the literature in individuals affected with FASN-related conditions. This variant is not present in population databases (gnomAD no frequency). This sequence change replaces leucine, which is neutral and non-polar, with valine, which is neutral and non-polar, at codon 1551 of the FASN protein (p.Leu1551Val).

NM_004104.5(FASN):c.4651C>G (p.Leu1551Val)

Gene: FASN (fatty acid synthase; minus strand). Cytogenetic location: 17q25.3.
Variant type: single nucleotide variant.
Coding change: c.4651C>G on transcript NM_004104.5 (MANE Select); coding-DNA position 4651, C replaced by G.
Protein change: p.Leu1551Val; replaces leucine 1551 with valine.
Molecular consequence: missense variant.
Genome position (GRCh38, 1-based): chr17:82,084,630, G>C on the plus strand (C>G on the coding strand, the complement: FASN is on the minus strand). VCF-style: chr17-82084630-G-C. GRCh37 (hg19) VCF-style: chr17-80042506-G-C.
Other names: short protein forms L1551V.
Identifiers: ClinVar variation 843156 (VCV000843156.9), dbSNP rs2034055539, ClinGen allele CA401545238.